The following is an entry in ClinVar:

GRCh38/hg38 15q13.3(chr15:31772797-32384654)x1

Genes: CHRNA7 (cholinergic receptor nicotinic alpha 7 subunit), OTUD7A (OTU deubiquitinase 7A; minus strand), LOC125078053 (Sharpr-MPRA regulatory region 11410; plus strand), LOC129390681 (MPRA-validated peak2289 silencer), LOC130056727 (ATAC-STARR-seq lymphoblastoid silent region 6268; plus strand). Cytogenetic location: 15q13.3.
Variant type: copy number loss.
Change: copy number 1 (one copy instead of two) of chr15:31,772,797-32,384,654 (611.9 kb, GRCh38 coordinates, 1-based), cytogenetic band 15q13.3.
Identifiers: ClinVar variation 148563 (VCV000148563.2).

ClinVar aggregate classification (germline): Pathogenic/Likely pathogenic (0 of 4 stars; one submission).

Submission:

ISCA site 1
Classification: Pathogenic/Likely pathogenic. Last evaluated: 2011-11-04. Review status: no assertion criteria provided. Collection method: clinical testing. Allele origin: maternal, unknown. Affected: yes. Observed: 2 variant alleles.
Comment: Pathogenic(1), Likely pathogenic(1)

Copy number variation identified through the course of routine clinical cytogenomic testing in postnatal populations, with clinical assertions as classified by the original submitter. For data from the original published study, Kaminsky, et al. 2011 (PubMed 21844811), please see nstd101.